The following is an entry in ClinVar:

ClinVar aggregate classification (germline): Likely benign. Review status: criteria provided, multiple submitters, no conflicts (2 of 4 stars). 3 submissions from 3 submitters: Likely benign (3). Last evaluated 2025-10-15.

Conditions:
MEF2C-related disorder. Also called: MEF2C-related condition; MEF2C-related disorders. Identifiers: MedGen CN381096.
Neurodevelopmental disorder with hypotonia, stereotypic hand movements, and impaired language. Also called: Intellectual disability, autosomal dominant 20. Identifiers: Orphanet 228384, Orphanet 664410, MedGen C3150700, MONDO:0013266, OMIM 613443.

Allele frequency attached by ClinVar (database versions not stated): gnomAD 0.00003 and 0.00002; TOPMed 0.00004; gnomAD exomes 0.00009; 1000 Genomes Project 30x 0.00016; ExAC 0.00003.
gnomAD v4.1: 125 of 1,575,560 alleles (0.0079%); highest among the groups gnomAD compares: Non-Finnish European, 0.011%; no homozygotes.

Submissions (3):

Labcorp Genetics (formerly Invitae), Labcorp
Classification: Likely benign for Neurodevelopmental disorder with hypotonia, stereotypic hand movements, and impaired language. Last evaluated: 2025-10-15. Review status: criteria provided, single submitter. Criteria: Invitae Variant Classification Sherloc (09022015). Collection method: clinical testing. Allele origin: germline.

PreventionGenetics, part of Exact Sciences
Classification: Likely benign for MEF2C-related condition. Last evaluated: 2025-05-05. Review status: criteria provided, single submitter. Criteria: ACMG Guidelines, 2015. Collection method: clinical testing. Allele origin: germline.
Comment: This variant is classified as likely benign based on ACMG/AMP sequence variant interpretation guidelines (Richards et al. 2015 PMID: 25741868, with internal and published modifications).

GeneDx
Classification: Likely benign. Last evaluated: 2015-10-07. Review status: criteria provided, single submitter. Criteria: GeneDx Variant Classification (06012015). Collection method: clinical testing. Allele origin: germline. Affected: yes.
Comment: This variant is considered likely benign or benign based on one or more of the following criteria: it is a conservative change, it occurs at a poorly conserved position in the protein, it is predicted to be benign by multiple in silico algorithms, and/or has population frequency not consistent with disease.

NM_002397.5(MEF2C):c.615G>A (p.Thr205=)

Gene: MEF2C (myocyte enhancer factor 2C; minus strand). Cytogenetic location: 5q14.3.
Variant type: single nucleotide variant.
Coding change: c.615G>A on transcript NM_002397.5 (MANE Select); coding-DNA position 615, G replaced by A.
Protein change: p.Thr205=; no amino-acid change (threonine 205 retained).
Molecular consequence: synonymous variant.
Genome position (GRCh38, 1-based): chr5:88,749,092, C>T on the plus strand (G>A on the coding strand, the complement: MEF2C is on the minus strand). VCF-style: chr5-88749092-C-T. GRCh37 (hg19) VCF-style: chr5-88044909-C-T.
Other names: c.609G>A, p.Thr203= (NM_001131005.2, NM_001364343.2, NM_001364352.2); c.669G>A, p.Thr223= (NM_001193347.1, NM_001364338.2); c.471G>A, p.Thr157= (NM_001193348.1, NM_001193349.3, NM_001364332.2 and 3 more transcripts); c.615G>A, p.Thr205= (NM_001193350.2, NM_001308002.3, NM_001363581.2 and 18 more transcripts); c.237G>A, p.Thr79= (NM_001364353.2, NM_001364356.2); c.189G>A, p.Thr63= (NM_001364357.2).
Identifiers: ClinVar variation 380983 (VCV000380983.13), dbSNP rs776496777, ClinGen allele CA3337269.
Genomic context (GRCh38, chr5:88,749,092, plus strand): 5'-AACAATGATACATACTGCAGTATGGAGTCTGGGCTTACCTGCACTGGTGCCTGCACCAGA[C>T]GTGAGGTCTCCACCCATCAGACCACCTATGGATTAAAGAGGAAGATCAAAACGAGAAAGG-3'
Protein context (NP_002388.2, residues 195-215): NTGGLMGGDL[Thr205=]SGAGTSAGNG